The following is an entry in ClinVar:

NM_000069.3(CACNA1S):c.4114G>A (p.Val1372Ile)

Gene: CACNA1S (calcium voltage-gated channel subunit alpha1 S; minus strand). Cytogenetic location: 1q32.1.
Variant type: single nucleotide variant.
Coding change: c.4114G>A on transcript NM_000069.3 (MANE Select); coding-DNA position 4114, G replaced by A.
Protein change: p.Val1372Ile; replaces valine 1372 with isoleucine.
Molecular consequence: missense variant.
Genome position (GRCh38, 1-based): chr1:201,050,516, C>T on the plus strand (G>A on the coding strand, the complement: CACNA1S is on the minus strand). VCF-style: chr1-201050516-C-T. GRCh37 (hg19) VCF-style: chr1-201019644-C-T.
Other names: short protein forms V1372I.
Identifiers: ClinVar variation 3074811 (VCV003074811.1), dbSNP rs1660614160, ClinGen allele CA344149164.

ClinVar aggregate classification (germline): Uncertain significance (1 of 4 stars; one submission).

Conditions:
Malignant hyperthermia, susceptibility to, 5 (MHS5). Also called: CACNA1S-Related Malignant Hyperthermia Susceptibility. Identifiers: Orphanet 423, MedGen C1866077, MONDO:0011163, OMIM 601887.

gnomAD v4.1: 2 of 1,613,962 alleles (0.00012%); highest among the groups gnomAD compares: South Asian, 0.0011%; no homozygotes.

Submission:

All of Us Research Program, National Institutes of Health
Classification: Uncertain significance for Malignant hyperthermia, susceptibility to, 5. Last evaluated: 2023-12-13. Review status: criteria provided, single submitter. Criteria: ACMG Guidelines, 2015. Collection method: clinical testing. Allele origin: germline. Inheritance: Autosomal dominant inheritance. Observed: 1 variant allele, 1 heterozygote.
Comment: This missense variant replaces valine with isoleucine at codon 1372 of the CACNA1S protein. Computational prediction suggests that this variant may not impact protein structure and function (internally defined REVEL score threshold <= 0.5, PMID: 27666373). To our knowledge, functional studies have not been reported for this variant. This variant has not been reported in individuals affected with CACNA1S-related disorders in the literature. This variant has not been identified in the general population by the Genome Aggregation Database (gnomAD). The available evidence is insufficient to determine the role of this variant in disease conclusively. Therefore, this variant is classified as a Variant of Uncertain Significance.

This study involves interpretation of variants in research participants for the purpose of population health screening. Participant phenotype was not available at the time of variant classification. Additional details can be found in publication PMID: 35346344, PMCID: PMC8962531